The following is an entry in ClinVar:

ClinVar aggregate classification (germline): Uncertain significance (1 of 4 stars; one submission).

Submission:

Women's Health and Genetics/Laboratory Corporation of America, LabCorp
Classification: Uncertain significance. Last evaluated: 2024-12-24. Review status: criteria provided, single submitter. Criteria: LabCorp Variant Classification Summary - May 2015. Collection method: clinical testing. Allele origin: germline.
Comment: Variant summary: ADGRV1 c.14569C>T (p.Leu4857Phe) results in a non-conservative amino acid change in the encoded protein sequence. Four of five in-silico tools predict a damaging effect of the variant on protein function. The variant was absent in 247766 control chromosomes. The available data on variant occurrences in the general population are insufficient to allow any conclusion about variant significance. To our knowledge, no occurrence of c.14569C>T in individuals affected with ADGRV1-Related Disorders and no experimental evidence demonstrating its impact on protein function have been reported. No submitters have cited clinical-significance assessments for this variant to ClinVar. Based on the evidence outlined above, the variant was classified as uncertain significance.

NM_032119.4(ADGRV1):c.14569C>T (p.Leu4857Phe)

Gene: ADGRV1 (adhesion G protein-coupled receptor V1; plus strand). Cytogenetic location: 5q14.3.
Variant type: single nucleotide variant.
Coding change: c.14569C>T on transcript NM_032119.4 (MANE Select); coding-DNA position 14569, C replaced by T.
Protein change: p.Leu4857Phe; replaces leucine 4857 with phenylalanine.
Molecular consequence: missense variant. On other transcripts: non-coding transcript variant (1).
Genome position (GRCh38, 1-based): chr5:90,802,790, C>T. VCF-style: chr5-90802790-C-T. GRCh37 (hg19) VCF-style: chr5-90098607-C-T.
Other names: short protein forms L4857F.
Identifiers: ClinVar variation 3768462 (VCV003768462.1).
Genomic context (GRCh38, chr5:90,802,790, plus strand): 5'-TGTTTATAGGTCTTCCTATCACTGGGCTCTAATTTCACTTTGCAACTGGTGACTGTGATG[C>T]TTGTCGGTGGACGTTTCTATGGAATGCCAACAATTCTTCAGGAAGCAAAATCTGCTGTCC-3'
Protein context (NP_115495.3, residues 4847-4867): NFTLQLVTVM[Leu4857Phe]VGGRFYGMPT